The following is an entry in ClinVar:

ClinVar aggregate classification (germline): Uncertain significance (1 of 4 stars; one submission).

Allele frequency attached by ClinVar (database versions not stated): gnomAD exomes below 0.00001.
gnomAD v4.1: 5 of 1,614,142 alleles (0.00031%); highest among the groups gnomAD compares: Non-Finnish European, 0.00025%; no homozygotes.

Submission:

Labcorp Genetics (formerly Invitae), Labcorp
Classification: Uncertain significance. Last evaluated: 2022-05-11. Review status: criteria provided, single submitter. Criteria: Invitae Variant Classification Sherloc (09022015). Collection method: clinical testing. Allele origin: germline.
Comment: In summary, the available evidence is currently insufficient to determine the role of this variant in disease. Therefore, it has been classified as a Variant of Uncertain Significance. Algorithms developed to predict the effect of missense changes on protein structure and function (SIFT, PolyPhen-2, Align-GVGD) all suggest that this variant is likely to be disruptive. This variant has not been reported in the literature in individuals affected with SLC17A8-related conditions. This variant is not present in population databases (gnomAD no frequency). This sequence change replaces valine, which is neutral and non-polar, with alanine, which is neutral and non-polar, at codon 407 of the SLC17A8 protein (p.Val407Ala).

NM_139319.3(SLC17A8):c.1220T>C (p.Val407Ala)

Gene: SLC17A8 (solute carrier family 17 member 8; plus strand). Cytogenetic location: 12q23.1.
Variant type: single nucleotide variant.
Coding change: c.1220T>C on transcript NM_139319.3 (MANE Select); coding-DNA position 1220, T replaced by C.
Protein change: p.Val407Ala; replaces valine 407 with alanine.
Molecular consequence: missense variant.
Genome position (GRCh38, 1-based): chr12:100,412,803, T>C. VCF-style: chr12-100412803-T-C. GRCh37 (hg19) VCF-style: chr12-100806581-T-C.
Other names: c.1070T>C, p.Val357Ala (NM_001145288.2); short protein forms V357A, V407A.
Identifiers: ClinVar variation 1962547 (VCV001962547.5), dbSNP rs2500320263, ClinGen allele CA386219717.